The following is an entry in ClinVar:

ClinVar aggregate classification (germline): Conflicting classifications of pathogenicity. Review status: criteria provided, conflicting classifications (1 of 4 stars). 2 submissions from 2 submitters: Uncertain significance (1); Likely benign (1). Last evaluated 2026-04-01.

Allele frequency attached by ClinVar (database versions not stated): gnomAD exomes 0.00005 and 0.00006; ESP Exome Variant Server 0.00008; ExAC 0.00009; TOPMed 0.00011; gnomAD 0.00015; 1000 Genomes Project 0.00060; 1000 Genomes Project 30x 0.00062.
gnomAD v4.1: 111 of 1,613,394 alleles (0.0069%); highest among the groups gnomAD compares: African/African-American, 0.059%; 2 homozygotes.

Submissions (3):

CeGaT Center for Human Genetics Tuebingen
Classification: Likely benign. Last evaluated: 2026-04-01. Review status: criteria provided, single submitter. Criteria: CeGaT Center For Human Genetics Tuebingen Variant Classification Criteria Version 2. Collection method: clinical testing. Allele origin: germline. Affected: yes. Observed: 2 variant alleles.
Comment: FREM1: BP4, BS2

Labcorp Genetics (formerly Invitae), Labcorp
Classification: Uncertain significance. Last evaluated: 2021-12-12. Review status: criteria provided, single submitter. Criteria: Invitae Variant Classification Sherloc (09022015). Collection method: clinical testing. Allele origin: germline.
Comment: This sequence change falls in intron 9 of the FREM1 gene. It does not directly change the encoded amino acid sequence of the FREM1 protein. It affects a nucleotide within the consensus splice site. This variant is present in population databases (rs145871721, gnomAD 0.02%). This variant has not been reported in the literature in individuals affected with FREM1-related conditions. Variants that disrupt the consensus splice site are a relatively common cause of aberrant splicing (PMID: 17576681, 9536098). Algorithms developed to predict the effect of sequence changes on RNA splicing suggest that this variant may disrupt the consensus splice site. In summary, the available evidence is currently insufficient to determine the role of this variant in disease. Therefore, it has been classified as a Variant of Uncertain Significance.

Dr. Peter K. Rogan Lab, Western University
No classification provided (evidence only). Condition: Sarcoma. Review status: no classification provided. Collection method: in vitro. Allele origin: not applicable. Functional consequence: retained intron. Not counted in ClinVar's aggregate classification.

Literature cited by the submitters: PubMed 17576681 (cited by Labcorp Genetics (formerly Invitae), Labcorp); PubMed 9536098 (cited by Labcorp Genetics (formerly Invitae), Labcorp).

NM_001379081.2(FREM1):c.1393+6T>C

Gene: FREM1 (FRAS1 related extracellular matrix 1; minus strand). Cytogenetic location: 9p22.3.
Variant type: single nucleotide variant.
Coding change: c.1393+6T>C on transcript NM_001379081.2 (MANE Select); 6 bases into the intron after coding-DNA position 1393, T replaced by C.
Molecular consequence: intron variant.
Genome position (GRCh38, 1-based): chr9:14,845,954, A>G on the plus strand (T>C on the coding strand, the complement: FREM1 is on the minus strand). VCF-style: chr9-14845954-A-G. GRCh37 (hg19) VCF-style: chr9-14845952-A-G.
Other names: c.1393+6T>C (NM_144966.7).
Identifiers: ClinVar variation 1510786 (VCV001510786.12), dbSNP rs145871721, ClinGen allele CA4991268.